The following is an entry in ClinVar:

NM_007294.4(BRCA1):c.4193A>G (p.Asp1398Gly)

Gene: BRCA1 (BRCA1 DNA repair associated; minus strand). Cytogenetic location: 17q21.31.
Variant type: single nucleotide variant.
Coding change: c.4193A>G on transcript NM_007294.4 (MANE Select); coding-DNA position 4193, A replaced by G.
Protein change: p.Asp1398Gly; replaces aspartic acid 1398 with glycine.
Molecular consequence: missense variant. On other transcripts: non-coding transcript variant (1).
Genome position (GRCh38, 1-based): chr17:43,082,568, T>C on the plus strand (A>G on the coding strand, the complement: BRCA1 is on the minus strand). VCF-style: chr17-43082568-T-C. GRCh37 (hg19) VCF-style: chr17-41234585-T-C.
Other names: c.740A>G, p.Asp247Gly (NM_001408465.1, NM_001408466.1, NM_001408467.1 and 5 more transcripts); c.737A>G, p.Asp246Gly (NM_001408470.1); c.881A>G, p.Asp294Gly (NM_001408472.1, NM_001408473.1, NM_001407972.1 and 18 more transcripts); c.683A>G, p.Asp228Gly (NM_001408474.1, NM_001408476.1); c.680A>G, p.Asp227Gly (NM_001408475.1); c.674A>G, p.Asp225Gly (NM_001408478.1, NM_001408479.1, NM_001408480.1 and 6 more transcripts); c.671A>G, p.Asp224Gly (NM_001408489.1, NM_001408490.1, NM_001408491.1 and 3 more transcripts); c.644A>G, p.Asp215Gly (NM_001408494.1); and 51 more; short protein forms D1398G, D295G, D1351G, D1102G, D1286G, D1287G, D1310G, D1331G.
Identifiers: ClinVar variation 216667 (VCV000216667.26), dbSNP rs761640584, ClinGen allele CA336261.

ClinVar aggregate classification (germline): Uncertain significance. Review status: criteria provided, multiple submitters, no conflicts (2 of 4 stars). 6 submissions from 6 submitters: Uncertain significance (6). Last evaluated 2025-11-13.

Conditions:
Breast-ovarian cancer, familial, susceptibility to, 1 (BROVCA1). Also called: BRCA1 Hereditary Breast and Ovarian Cancer; OVARIAN CANCER, SUSCEPTIBILITY TO. Identifiers: Orphanet 145, MedGen C2676676, MONDO:0011450, OMIM 604370. Disease mechanism: loss of function.
Hereditary breast ovarian cancer syndrome. Also called: Breast and ovarian cancer; Hereditary breast and ovarian cancer; Hereditary breast and ovarian cancer syndrome; Hereditary breast and/or ovarian cancer syndrome; BRCA1- and BRCA2-Associated Hereditary Breast and Ovarian Cancer; Hereditary breast and ovarian cancer syndrome (HBOC). Identifiers: Orphanet 145, MedGen C0677776, MeSH D061325, MONDO:0003582. Disease mechanism: loss of function.
Hereditary cancer-predisposing syndrome. Also called: Tumor predisposition; Hereditary Cancer Syndrome; Neoplastic Syndromes, Hereditary; Hereditary neoplastic syndrome. Identifiers: Orphanet 140162, MedGen C0027672, MeSH D009386, MONDO:0015356.

gnomAD v4.1: 2 of 1,614,100 alleles (0.00012%); highest among the groups gnomAD compares: Non-Finnish European, 0.00017%; no homozygotes.

Submissions (6):

Labcorp Genetics (formerly Invitae), Labcorp
Classification: Uncertain significance for Hereditary breast ovarian cancer syndrome. Last evaluated: 2025-11-13. Review status: criteria provided, single submitter. Criteria: Invitae Variant Classification Sherloc (09022015). Collection method: clinical testing. Allele origin: germline.
Comment: This sequence change replaces aspartic acid, which is acidic and polar, with glycine, which is neutral and non-polar, at codon 1398 of the BRCA1 protein (p.Asp1398Gly). This variant is not present in population databases (gnomAD no frequency). This variant has not been reported in the literature in individuals affected with BRCA1-related conditions. ClinVar contains an entry for this variant (Variation ID: 216667). Invitae Evidence Modeling of protein sequence and biophysical properties (such as structural, functional, and spatial information, amino acid conservation, physicochemical variation, residue mobility, and thermodynamic stability) indicates that this missense variant is expected to disrupt BRCA1 protein function with a positive predictive value of 80%. In summary, the available evidence is currently insufficient to determine the role of this variant in disease. Therefore, it has been classified as a Variant of Uncertain Significance.

Ambry Genetics
Classification: Uncertain significance for Hereditary cancer-predisposing syndrome. Last evaluated: 2025-07-07. Review status: criteria provided, single submitter. Criteria: Ambry Variant Classification Scheme 2023. Collection method: clinical testing. Allele origin: germline.
Comment: The p.D1398G variant (also known as c.4193A>G), located in coding exon 11 of the BRCA1 gene, results from an A to G substitution at nucleotide position 4193. The aspartic acid at codon 1398 is replaced by glycine, an amino acid with similar properties. This amino acid position is well conserved in available vertebrate species. In addition, the in silico prediction for this alteration is inconclusive. Since supporting evidence is limited at this time, the clinical significance of this alteration remains unclear.

Center for Genomic Medicine, Rigshospitalet, Copenhagen University Hospital
Classification: Uncertain significance. Last evaluated: 2025-03-04. Review status: criteria provided, single submitter. Criteria: ACMG Guidelines, 2015. Collection method: clinical testing. Allele origin: germline.

Color Diagnostics, LLC DBA Color Health
Classification: Uncertain significance for Hereditary cancer-predisposing syndrome. Last evaluated: 2024-11-13. Review status: criteria provided, single submitter. Criteria: ACMG Guidelines, 2015. Collection method: clinical testing. Allele origin: germline.
Comment: This missense variant replaces aspartic acid with glycine at codon 1398 of the BRCA1 protein. Computational prediction is inconclusive regarding the impact of this variant on protein structure and function. To our knowledge, functional studies have not been reported for this variant. This variant has been detected in a breast cancer case-control meta-analysis in 0/60466 cases and 1/53461 unaffected individuals (PMID: 33471991; Leiden Open Variation Database DB-ID BRCA1_006272). This variant has not been identified in the general population by the Genome Aggregation Database (gnomAD). The available evidence is insufficient to determine the role of this variant in disease conclusively. Therefore, this variant is classified as a Variant of Uncertain Significance.

All of Us Research Program, National Institutes of Health
Classification: Uncertain significance for Breast-ovarian cancer, familial, susceptibility to, 1. Last evaluated: 2023-10-06. Review status: criteria provided, single submitter. Criteria: ACMG Guidelines, 2015. Collection method: clinical testing. Allele origin: germline. Inheritance: Autosomal dominant inheritance. Observed: 1 variant allele, 1 heterozygote.
Comment: This missense variant replaces aspartic acid with glycine at codon 1398 of the BRCA1 protein. Computational prediction is inconclusive regarding the impact of this variant on protein structure and function (internally defined REVEL score threshold 0.5 < inconclusive < 0.7, PMID: 27666373). To our knowledge, functional studies have not been reported for this variant. This variant has been detected in a breast cancer case-control meta-analysis in 0/60466 cases and 1/53461 unaffected individuals (PMID: 33471991; Leiden Open Variation Database DB-ID BRCA1_006272). This variant has not been identified in the general population by the Genome Aggregation Database (gnomAD). The available evidence is insufficient to determine the role of this variant in disease conclusively. Therefore, this variant is classified as a Variant of Uncertain Significance.

This study involves interpretation of variants in research participants for the purpose of population health screening. Participant phenotype was not available at the time of variant classification. Additional details can be found in publication PMID: 35346344, PMCID: PMC8962531

GeneDx
Classification: Uncertain significance. Last evaluated: 2023-10-05. Review status: criteria provided, single submitter. Criteria: GeneDx Variant Classification Process June 2021. Collection method: clinical testing. Allele origin: germline. Affected: yes.
Comment: Not observed in large population cohorts (gnomAD); In silico analysis supports that this missense variant has a deleterious effect on protein structure/function; Also known as 4312A>G; Observed in a cohort of individuals undergoing multi-gene panel testing with an indication of unspecified personal and/or family history of cancer (Li et al., 2020); This variant is associated with the following publications: (PMID: 15343273, 22737296, 19369211, 31911673, 29884841, 32377563, 31853058)

Literature cited by the submitters: PubMed 33471991 (cited by Color Diagnostics, LLC DBA Color Health and All of Us Research Program, National Institutes of Health).